The following is an entry in ClinVar:

NM_020832.3(ZNF687):c.2222A>G (p.Asn741Ser)

Gene: ZNF687 (zinc finger protein 687; plus strand). Cytogenetic location: 1q21.3.
Variant type: single nucleotide variant.
Coding change: c.2222A>G on transcript NM_020832.3 (MANE Select); coding-DNA position 2222, A replaced by G.
Protein change: p.Asn741Ser; replaces asparagine 741 with serine.
Molecular consequence: missense variant.
Genome position (GRCh38, 1-based): chr1:151,288,634, A>G. VCF-style: chr1-151288634-A-G. GRCh37 (hg19) VCF-style: chr1-151261110-A-G.
Other names: c.2222A>G, p.Asn741Ser (NM_001304763.2, NM_001304764.2); short protein forms N741S.
Identifiers: ClinVar variation 3717597 (VCV003717597.3).

ClinVar aggregate classification (germline): Conflicting classifications of pathogenicity. Review status: criteria provided, conflicting classifications (1 of 4 stars). 2 submissions from 2 submitters: Uncertain significance (1); Likely benign (1). Last evaluated 2025-12-15.

gnomAD v4.1: 142 of 1,614,058 alleles (0.0088%); highest among the groups gnomAD compares: South Asian, 0.15%; 2 homozygotes.

Submissions (2):

Labcorp Genetics (formerly Invitae), Labcorp
Classification: Uncertain significance. Last evaluated: 2025-12-15. Review status: criteria provided, single submitter. Criteria: Invitae Variant Classification Sherloc (09022015). Collection method: clinical testing. Allele origin: germline.
Comment: This sequence change replaces asparagine, which is neutral and polar, with serine, which is neutral and polar, at codon 741 of the ZNF687 protein (p.Asn741Ser). This variant is present in population databases (rs781593158, gnomAD 0.1%), and has an allele count higher than expected for a pathogenic variant. This variant has not been reported in the literature in individuals affected with ZNF687-related conditions. ClinVar contains an entry for this variant (Variation ID: 3717597). An algorithm developed to predict the effect of missense changes on protein structure and function outputs the following: PolyPhen-2: "Benign". The serine amino acid residue is found in multiple mammalian species, which suggests that this missense change does not adversely affect protein function. In summary, the available evidence is currently insufficient to determine the role of this variant in disease. Therefore, it has been classified as a Variant of Uncertain Significance.

Blueprint Genetics
Classification: Likely benign. Last evaluated: 2023-11-09. Review status: criteria provided, single submitter. Criteria: ACMG Guidelines, 2015. Collection method: clinical testing. Allele origin: germline.